The following is an entry in ClinVar:

NM_000059.4(BRCA2):c.9334G>T (p.Asp3112Tyr)

Gene: BRCA2 (BRCA2 DNA repair associated; plus strand). Cytogenetic location: 13q13.1.
Variant type: single nucleotide variant.
Coding change: c.9334G>T on transcript NM_000059.4 (MANE Select); coding-DNA position 9334, G replaced by T.
Protein change: p.Asp3112Tyr; replaces aspartic acid 3112 with tyrosine.
Molecular consequence: missense variant. On other transcripts: non-coding transcript variant (1).
Genome position (GRCh38, 1-based): chr13:32,394,766, G>T. VCF-style: chr13-32394766-G-T. GRCh37 (hg19) VCF-style: chr13-32968903-G-T.
Other names: c.9238G>T, p.Asp3080Tyr (NM_001406719.1); c.9283G>T, p.Asp3095Tyr (NM_001406720.1); c.4402G>T, p.Asp1468Tyr (NM_001406721.1); c.2917G>T, p.Asp973Tyr (NM_001406722.1); c.9334G>T, p.Asp3112Tyr (NM_001432077.1); short protein forms D3080Y, D1468Y, D973Y, D3095Y, D3112Y.
Identifiers: ClinVar variation 3633427 (VCV003633427.2).

ClinVar aggregate classification (germline): Uncertain significance (1 of 4 stars; one submission).

Conditions:
Hereditary breast ovarian cancer syndrome. Also called: Hereditary breast and ovarian cancer syndrome; Hereditary breast and ovarian cancer syndrome (HBOC); BRCA1- and BRCA2-Associated Hereditary Breast and Ovarian Cancer; Hereditary breast and ovarian cancer; Breast and ovarian cancer; Hereditary breast and/or ovarian cancer syndrome. Identifiers: Orphanet 145, MedGen C0677776, MeSH D061325, MONDO:0003582. Disease mechanism: loss of function.

Submission:

Labcorp Genetics (formerly Invitae), Labcorp
Classification: Uncertain significance for Hereditary breast ovarian cancer syndrome. Last evaluated: 2024-06-10. Review status: criteria provided, single submitter. Criteria: Invitae Variant Classification Sherloc (09022015). Collection method: clinical testing. Allele origin: germline.
Comment: This sequence change replaces aspartic acid, which is acidic and polar, with tyrosine, which is neutral and polar, at codon 3112 of the BRCA2 protein (p.Asp3112Tyr). This variant is not present in population databases (gnomAD no frequency). This variant has not been reported in the literature in individuals affected with BRCA2-related conditions. Advanced modeling performed at Invitae incorporating data from internal and/or published experimental studies (PMID: 33609447) indicates that this missense variant is not expected to disrupt BRCA2 function with a negative predictive value of 95%. In summary, the available evidence is currently insufficient to determine the role of this variant in disease. Therefore, it has been classified as a Variant of Uncertain Significance.

Literature cited by the submitters: PubMed 33609447.